The following is an entry in ClinVar:

NM_207361.6(FREM2):c.4329A>G (p.Leu1443=)

Gene: FREM2 (FRAS1 related extracellular matrix 2; plus strand). Cytogenetic location: 13q13.3.
Variant type: single nucleotide variant.
Coding change: c.4329A>G on transcript NM_207361.6 (MANE Select); coding-DNA position 4329, A replaced by G.
Protein change: p.Leu1443=; no amino-acid change (leucine 1443 retained).
Molecular consequence: synonymous variant.
Genome position (GRCh38, 1-based): chr13:38,691,673, A>G. VCF-style: chr13-38691673-A-G. GRCh37 (hg19) VCF-style: chr13-39265810-A-G.
Identifiers: ClinVar variation 3053539 (VCV003053539.2), dbSNP rs768792524, ClinGen allele CA6954968.

ClinVar aggregate classification (germline): Likely benign (0 of 4 stars; one submission).

Conditions:
FREM2-related disorder. Also called: FREM2-related condition.

Allele frequency attached by ClinVar (database versions not stated): ExAC 0.00001; gnomAD exomes 0.00001.
gnomAD v4.1: 18 of 1,614,154 alleles (0.0011%); highest among the groups gnomAD compares: South Asian, 0.0033%; no homozygotes.

Submission:

PreventionGenetics, part of Exact Sciences
Classification: Likely benign for FREM2-related condition. Last evaluated: 2022-11-02. Review status: no assertion criteria provided. Collection method: clinical testing. Allele origin: germline.
Comment: This variant is classified as likely benign based on ACMG/AMP sequence variant interpretation guidelines (Richards et al. 2015 PMID: 25741868, with internal and published modifications).